The following is an entry in ClinVar:

ClinVar aggregate classification (germline): Uncertain significance (1 of 4 stars; one submission).

Submission:

GeneDx
Classification: Uncertain significance. Last evaluated: 2024-10-02. Review status: criteria provided, single submitter. Criteria: GeneDx Variant Classification Process June 2021. Collection method: clinical testing. Allele origin: germline. Affected: yes.
Comment: Not observed at significant frequency in large population cohorts (gnomAD); In silico analysis supports a deleterious effect on splicing; Has not been previously published as pathogenic or benign to our knowledge

NM_003590.5(CUL3):c.1707+1_1707+2dup

Gene: CUL3 (cullin 3; minus strand). Cytogenetic location: 2q36.2.
Variant type: Duplication.
Coding change: c.1707+1_1707+2dup on transcript NM_003590.5 (MANE Select); the canonical splice donor site of the intron after coding-DNA position 1707, 2 bases duplicated (GT; older notation c.1707+1_1707+2dupGT).
Molecular consequence: splice donor variant.
Genome position (GRCh38, 1-based): chr2:224,497,751-224,497,752, AC duplicated on the plus strand (GT on the coding strand, the reverse complement: CUL3 is on the minus strand). VCF-style (leftmost placement, unchanged base first): chr2-224497750-T-TAC. GRCh37 (hg19) VCF-style: chr2-225362467-T-TAC.
Other names: c.1509+1_1509+2dup (NM_001257197.2); c.1725+1_1725+2dup (NM_001257198.2).
Identifiers: ClinVar variation 3776394 (VCV003776394.1).